The following is an entry in ClinVar:

ClinVar aggregate classification (germline): Uncertain significance. Review status: criteria provided, multiple submitters, no conflicts (2 of 4 stars). 3 submissions from 3 submitters: Uncertain significance (3). Last evaluated 2026-01-19.

Conditions:
Cardiovascular phenotype. Identifiers: MedGen CN230736.
Hereditary cancer-predisposing syndrome. Also called: Tumor predisposition; Neoplastic Syndromes, Hereditary; Hereditary Cancer Syndrome; Hereditary neoplastic syndrome. Identifiers: Orphanet 140162, MedGen C0027672, MeSH D009386, MONDO:0015356.

Allele frequency attached by ClinVar (database versions not stated): gnomAD exomes below 0.00001; TOPMed 0.00001.
gnomAD v4.1: 2 of 1,613,328 alleles (0.00012%); highest among the groups gnomAD compares: Non-Finnish European, 0.00017%; no homozygotes.

Submissions (3):

Labcorp Genetics (formerly Invitae), Labcorp
Classification: Uncertain significance. Last evaluated: 2026-01-19. Review status: criteria provided, single submitter. Criteria: Invitae Variant Classification Sherloc (09022015). Collection method: clinical testing. Allele origin: germline.
Comment: This sequence change replaces serine, which is neutral and polar, with phenylalanine, which is neutral and non-polar, at codon 621 of the LZTR1 protein (p.Ser621Phe). This variant is not present in population databases (gnomAD no frequency). This variant has not been reported in the literature in individuals affected with LZTR1-related conditions. ClinVar contains an entry for this variant (Variation ID: 1385218). Invitae Evidence Modeling of protein sequence and biophysical properties (such as structural, functional, and spatial information, amino acid conservation, physicochemical variation, residue mobility, and thermodynamic stability) indicates that this missense variant is not expected to disrupt LZTR1 protein function with a negative predictive value of 80%. In summary, the available evidence is currently insufficient to determine the role of this variant in disease. Therefore, it has been classified as a Variant of Uncertain Significance.

Ambry Genetics
Classification: Uncertain significance for Cardiovascular phenotype; Hereditary cancer-predisposing syndrome. Last evaluated: 2024-03-07. Review status: criteria provided, single submitter. Criteria: Ambry Variant Classification Scheme 2023. Collection method: clinical testing. Allele origin: germline.
Comment: The p.S621F variant (also known as c.1862C>T), located in coding exon 16 of the LZTR1 gene, results from a C to T substitution at nucleotide position 1862. The serine at codon 621 is replaced by phenylalanine, an amino acid with highly dissimilar properties. This amino acid position is well conserved in available vertebrate species. In addition, this alteration is predicted to be tolerated by in silico analysis. Based on the available evidence, the clinical significance of this alteration remains unclear.

Women's Health and Genetics/Laboratory Corporation of America, LabCorp
Classification: Uncertain significance. Last evaluated: 2023-04-18. Review status: criteria provided, single submitter. Criteria: LabCorp Variant Classification Summary - May 2015. Collection method: clinical testing. Allele origin: germline.
Comment: Variant summary: LZTR1 c.1862C>T (p.Ser621Phe) results in a non-conservative amino acid change in the encoded protein sequence. Four of five in-silico tools predict a damaging effect of the variant on protein function. The variant was absent in 251136 control chromosomes (gnomAD). The available data on variant occurrences in the general population are insufficient to allow any conclusion about variant significance. To our knowledge, no occurrence of c.1862C>T in individuals affected with Noonan Syndrome and no experimental evidence demonstrating its impact on protein function have been reported. Two clinical diagnostic laboratories have submitted clinical-significance assessments for this variant to ClinVar after 2014 and classified the variant as uncertain significance. Based on the evidence outlined above, the variant was classified as uncertain significance.

NM_006767.4(LZTR1):c.1862C>T (p.Ser621Phe)

Gene: LZTR1 (leucine zipper like post translational regulator 1; plus strand). Cytogenetic location: 22q11.21.
Variant type: single nucleotide variant.
Coding change: c.1862C>T on transcript NM_006767.4 (MANE Select); coding-DNA position 1862, C replaced by T.
Protein change: p.Ser621Phe; replaces serine 621 with phenylalanine.
Molecular consequence: missense variant.
Genome position (GRCh38, 1-based): chr22:20,994,946, C>T. VCF-style: chr22-20994946-C-T. GRCh37 (hg19) VCF-style: chr22-21349235-C-T.
Other names: short protein forms S621F.
Identifiers: ClinVar variation 1385218 (VCV001385218.10), dbSNP rs1389937904, ClinGen allele CA410778619.
Genomic context (GRCh38, chr22:20,994,946, plus strand): 5'-TCGTGGTAAAGGAGTCCCACTTCAACCAGGTGATCATGATGAAGGAGTTCGAGCGCCTCT[C>T]CTCTCCACTGATAGTGGAGATTGTGCGGCGGAAGCAGCAGCCGCCCCCTCGCACTCCCTT-3'
Protein context (NP_006758.2, residues 611-631): VIMMKEFERL[Ser621Phe]SPLIVEIVRR